The following is an entry in ClinVar:

ClinVar aggregate classification (germline): Uncertain significance (1 of 4 stars; one submission).

Submission:

CeGaT Center for Human Genetics Tuebingen
Classification: Uncertain significance. Last evaluated: 2022-11-01. Review status: criteria provided, single submitter. Criteria: CeGaT Center For Human Genetics Tuebingen Variant Classification Criteria Version 2. Collection method: clinical testing. Allele origin: germline. Affected: yes. Observed: 1 variant allele.
Comment: ATP1A3: PM2, PP2, PP3

NM_152296.5(ATP1A3):c.1449T>G (p.His483Gln)

Gene: ATP1A3 (ATPase Na+/K+ transporting subunit alpha 3; minus strand). Cytogenetic location: 19q13.2.
Variant type: single nucleotide variant.
Coding change: c.1449T>G on transcript NM_152296.5 (MANE Select); coding-DNA position 1449, T replaced by G.
Protein change: p.His483Gln; replaces histidine 483 with glutamine.
Molecular consequence: missense variant.
Genome position (GRCh38, 1-based): chr19:41,978,787, A>C on the plus strand (T>G on the coding strand, the complement: ATP1A3 is on the minus strand). VCF-style: chr19-41978787-A-C. GRCh37 (hg19) VCF-style: chr19-42482939-A-C.
Other names: c.1482T>G, p.His494Gln (NM_001256213.2); c.1488T>G, p.His496Gln (NM_001256214.2); short protein forms H483Q, H494Q, H496Q.
Identifiers: ClinVar variation 2649934 (VCV002649934.24), dbSNP rs2514056923, ClinGen allele CA406047559.